The following is an entry in ClinVar:

ClinVar aggregate classification (germline): Uncertain significance (1 of 4 stars; one submission).

Submission:

CeGaT Center for Human Genetics Tuebingen
Classification: Uncertain significance. Last evaluated: 2022-06-01. Review status: criteria provided, single submitter. Criteria: CeGaT Center For Human Genetics Tuebingen Variant Classification Criteria Version 2. Collection method: clinical testing. Allele origin: germline. Affected: yes. Observed: 1 variant allele.
Comment: DNAJB5: PM2

NM_001349723.3(DNAJB5):c.442_447del (p.Gly148_Gly149del)

Gene: DNAJB5 (DnaJ heat shock protein family (Hsp40) member B5; plus strand). Cytogenetic location: 9p13.3.
Variant type: Deletion.
Coding change: c.442_447del on transcript NM_001349723.3 (MANE Select); coding-DNA positions 442 to 447, 6 bases deleted (GGTGGC; older notation c.442_447delGGTGGC).
Protein change: p.Gly148_Gly149del.
Molecular consequence: inframe deletion.
Genome position (GRCh38, 1-based): chr9:34,996,279-34,996,284, GGTGGC deleted; deleting any 6 consecutive bases within chr9:34,996,276-34,996,284 gives the same sequence; the c. name uses the placement nearest the transcript's 3' end. VCF-style (leftmost placement, unchanged base first): chr9-34996275-CGGCGGT-C. GRCh37 (hg19) VCF-style: chr9-34996272-CGGCGGT-C.
Other names: c.328_333del, p.Gly110_Gly111del (NM_001135004.3, NM_001349725.2); c.442_447del, p.Gly148_Gly149del (NM_001135005.3); c.226_231del, p.Gly76_Gly77del (NM_001349724.2, NM_012266.6).
Identifiers: ClinVar variation 1695247 (VCV001695247.31), dbSNP rs1440900567, ClinGen allele CA863521144.